The following is an entry in ClinVar:

NM_001164508.2(NEB):c.5587G>T (p.Glu1863Ter)

Gene: NEB (nebulin; minus strand). Cytogenetic location: 2q23.3.
Variant type: single nucleotide variant.
Coding change: c.5587G>T on transcript NM_001164508.2 (MANE Select); coding-DNA position 5587, G replaced by T.
Protein change: p.Glu1863Ter; replaces glutamic acid 1863 with a stop codon.
Molecular consequence: nonsense.
Genome position (GRCh38, 1-based): chr2:151,663,724, C>A on the plus strand (G>T on the coding strand, the complement: NEB is on the minus strand). VCF-style: chr2-151663724-C-A. GRCh37 (hg19) VCF-style: chr2-152520238-C-A.
Other names: c.5587G>T, p.Glu1863Ter (NM_001164507.2, NM_001271208.2, NM_004543.5); short protein forms E1863*.
Identifiers: ClinVar variation 1454015 (VCV001454015.7), dbSNP rs1375183081, ClinGen allele CA348808381.

ClinVar aggregate classification (germline): Pathogenic. Review status: criteria provided, multiple submitters, no conflicts (2 of 4 stars). 2 submissions from 2 submitters: Pathogenic (2). Last evaluated 2024-05-08.

Conditions:
Nemaline myopathy 2 (NEM2). Also called: Nemaline myopathy 2, autosomal recessive. Identifiers: MedGen C1850569, MONDO:0009725, OMIM 256030.

Submissions (2):

Myriad Genetics, Inc.
Classification: Pathogenic for Nemaline myopathy 2. Last evaluated: 2024-05-08. Review status: criteria provided, single submitter. Criteria: Myriad Autosomal Dominant, Autosomal Recessive and X-Linked Classification Criteria (2023). Collection method: clinical testing. Allele origin: unknown.
Comment: NM_001271208.1(NEB):c.5587G>T(E1863*) is expected to be pathogenic in the context of NEB-related nemaline myopathy. This variant is predicted to lead to an abnormal or absent protein product due to the creation of a premature termination codon in NEB, a gene where loss-of-function variants are known to be pathogenic. Please note: this variant was assessed in the context of healthy population screening.

Labcorp Genetics (formerly Invitae), Labcorp
Classification: Pathogenic for Nemaline myopathy 2. Last evaluated: 2023-08-17. Review status: criteria provided, single submitter. Criteria: Invitae Variant Classification Sherloc (09022015). Collection method: clinical testing. Allele origin: germline.
Comment: This sequence change creates a premature translational stop signal (p.Glu1863*) in the NEB gene. It is expected to result in an absent or disrupted protein product. Loss-of-function variants in NEB are known to be pathogenic (PMID: 25205138). For these reasons, this variant has been classified as Pathogenic. ClinVar contains an entry for this variant (Variation ID: 1454015). This variant has not been reported in the literature in individuals affected with NEB-related conditions. This variant is not present in population databases (gnomAD no frequency).

Literature cited by the submitters: PubMed 25205138 (cited by Labcorp Genetics (formerly Invitae), Labcorp).